The following is an entry in ClinVar:

NM_000037.4(ANK1):c.1693G>T (p.Ala565Ser)

Gene: ANK1 (ankyrin 1; minus strand). Cytogenetic location: 8p11.21.
Variant type: single nucleotide variant.
Coding change: c.1693G>T on transcript NM_000037.4 (MANE Select); coding-DNA position 1693, G replaced by T.
Protein change: p.Ala565Ser; replaces alanine 565 with serine.
Molecular consequence: missense variant.
Genome position (GRCh38, 1-based): chr8:41,714,984, C>A on the plus strand (G>T on the coding strand, the complement: ANK1 is on the minus strand). VCF-style: chr8-41714984-C-A. GRCh37 (hg19) VCF-style: chr8-41572502-C-A.
Other names: c.1693G>T, p.Ala565Ser (NM_020477.3, NM_020475.3, NM_020476.3); c.1792G>T, p.Ala598Ser (NM_001142446.2); short protein forms A565S, A598S.
Identifiers: ClinVar variation 1030548 (VCV001030548.1), dbSNP rs1827218179, ClinGen allele CA371069569.

ClinVar aggregate classification (germline): Uncertain significance (1 of 4 stars; one submission).

Conditions:
Hereditary spherocytosis type 1. Also called: Spherocytosis type 1; ANK1-Related Spherocytosis. Identifiers: Orphanet 822, MedGen C2674218, MONDO:0008447, OMIM 182900.

Submission:

Baylor Genetics
Classification: Uncertain significance for Hereditary spherocytosis type 1. Last evaluated: 2020-02-21. Review status: criteria provided, single submitter. Criteria: ACMG Guidelines, 2015. Collection method: clinical testing. Allele origin: unknown. Affected: yes.
Comment: This variant was determined to be of uncertain significance according to ACMG Guidelines, 2015 [PMID:25741868].